The following is an entry in ClinVar:

NM_000069.3(CACNA1S):c.404dup (p.Thr136fs)

Gene: CACNA1S (calcium voltage-gated channel subunit alpha1 S; minus strand). Cytogenetic location: 1q32.1.
Variant type: Duplication.
Coding change: c.404dup on transcript NM_000069.3 (MANE Select); coding-DNA position 404, one base duplicated (T; older notation c.404dupT).
Protein change: p.Thr136fs; shifts the reading frame from threonine 136.
Molecular consequence: frameshift variant.
Genome position (GRCh38, 1-based): chr1:201,092,109, A duplicated on the plus strand (T on the coding strand, the reverse complement: CACNA1S is on the minus strand); the first of 2 consecutive A bases (chr1:201,092,109-201,092,110); duplicating either gives the same sequence. VCF-style (leftmost placement, unchanged base first): chr1-201092108-G-GA. GRCh37 (hg19) VCF-style: chr1-201061236-G-GA.
Other names: short protein forms T136fs.
Identifiers: ClinVar variation 3070265 (VCV003070265.1), dbSNP rs2464626226, ClinGen allele CA2825000889.

ClinVar aggregate classification (germline): Uncertain significance (1 of 4 stars; one submission).

Conditions:
Malignant hyperthermia, susceptibility to, 5 (MHS5). Also called: CACNA1S-Related Malignant Hyperthermia Susceptibility. Identifiers: Orphanet 423, MedGen C1866077, MONDO:0011163, OMIM 601887.

Submission:

All of Us Research Program, National Institutes of Health
Classification: Uncertain significance for Malignant hyperthermia, susceptibility to, 5. Last evaluated: 2023-04-03. Review status: criteria provided, single submitter. Criteria: ACMG Guidelines, 2015. Collection method: clinical testing. Allele origin: germline. Inheritance: Autosomal dominant inheritance. Observed: 1 variant allele, 1 heterozygote.
Comment: This variant inserts 1 nucleotide in exon 4 of the CACNA1S gene, creating a frameshift and premature translation stop signal. This variant is expected to result in an absent or non-functional protein product. To our knowledge, this variant has not been reported in individuals affected with CACNA1S-related disorders in the literature. This variant has not been identified in the general population by the Genome Aggregation Database (gnomAD). Loss of CACNA1S gene function due to haploinsufficiency is not an established disease mechanism for autosomal dominant malignant hyperthermia, although it is associated with other phenotypes (PMID: 28012042, 34608571, 34777470). Due to insufficient evidence, this variant is classified as a Variant of Uncertain Significance for autosomal dominant malignant hyperthermia.

This study involves interpretation of variants in research participants for the purpose of population health screening. Participant phenotype was not available at the time of variant classification. Additional details can be found in publication PMID: 35346344, PMCID: PMC8962531

Literature cited by the submitters: PubMed 28012042; PubMed 34608571; PubMed 34777470.